The following is an entry in ClinVar:

NM_006904.7(PRKDC):c.6395A>G (p.Lys2132Arg)

Gene: PRKDC (protein kinase, DNA-activated, catalytic subunit; minus strand). Cytogenetic location: 8q11.21.
Variant type: single nucleotide variant.
Coding change: c.6395A>G on transcript NM_006904.7 (MANE Select); coding-DNA position 6395, A replaced by G.
Protein change: p.Lys2132Arg; replaces lysine 2132 with arginine.
Molecular consequence: missense variant.
Genome position (GRCh38, 1-based): chr8:47,858,586, T>C on the plus strand (A>G on the coding strand, the complement: PRKDC is on the minus strand). VCF-style: chr8-47858586-T-C. GRCh37 (hg19) VCF-style: chr8-48771147-T-C.
Other names: c.6395A>G, p.Lys2132Arg (NM_001081640.2); short protein forms K2132R.
Identifiers: ClinVar variation 1753249 (VCV001753249.2), dbSNP rs2551869978, ClinGen allele CA371160662.
Genomic context (GRCh38, chr8:47,858,586, plus strand): 5'-TTAATAACAAGCTTGGCTAAGAAGAGACGGATATTTAATGGTACTATTGGATTTCCCAGT[T>C]TGCCATGGAGGAATTTCATCCAAGAAGGAAGATCTCTTGGCACTGAATCCTAAAATAAAA-3'
Protein context (NP_008835.5, residues 2122-2142): LPSWMKFLHG[Lys2132Arg]LGNPIVPLNI

ClinVar aggregate classification (germline): Uncertain significance (1 of 4 stars; one submission).

Submission:

Ambry Genetics
Classification: Uncertain significance. Last evaluated: 2022-03-29. Review status: criteria provided, single submitter. Criteria: Ambry Variant Classification Scheme 2023. Collection method: clinical testing. Allele origin: germline.
Comment: The p.K2132R variant (also known as c.6395A>G), located in coding exon 48 of the PRKDC gene, results from an A to G substitution at nucleotide position 6395. The lysine at codon 2132 is replaced by arginine, an amino acid with highly similar properties. This amino acid position is conserved. Since supporting evidence is limited at this time, the clinical significance of this alteration remains unclear.